The following is an entry in ClinVar:

NM_001360016.2(G6PD):c.196T>A (p.Phe66Ile)

Gene: G6PD (glucose-6-phosphate dehydrogenase; minus strand). Cytogenetic location: Xq28.
Variant type: single nucleotide variant.
Coding change: c.196T>A on transcript NM_001360016.2 (MANE Select); coding-DNA position 196, T replaced by A.
Protein change: p.Phe66Ile; replaces phenylalanine 66 with isoleucine.
Molecular consequence: missense variant.
Genome position (GRCh38, 1-based): chrX:154,536,008, A>T on the plus strand (T>A on the coding strand, the complement: G6PD is on the minus strand). VCF-style: chrX-154536008-A-T. GRCh37 (hg19) VCF-style: chrX-153764223-A-T.
Other names: G6PD Songklanagarind; c.286T>A, p.Phe96Ile (NM_000402.4); c.196T>A, p.Phe66Ile (NM_001042351.3); short protein forms F96I, F66I.
Identifiers: ClinVar variation 1374503 (VCV001374503.14), dbSNP rs2070404146, ClinGen allele CA415239856.

ClinVar aggregate classification (germline): Conflicting classifications of pathogenicity. Review status: criteria provided, conflicting classifications (1 of 4 stars). 4 submissions from 4 submitters: Likely pathogenic (1); Uncertain significance (3). Last evaluated 2024-10-30.

Conditions:
Malaria, susceptibility to. Identifiers: Orphanet 673, MedGen C1970028, MONDO:0021024, OMIM 611162.
Anemia, nonspherocytic hemolytic, due to G6PD deficiency (CNSHA1). Also called: Class I glucose-6-phosphate dehydrogenase deficiency; Favism, susceptibility to; Hemolytic anemia due to G6PD deficiency; ANEMIA, CONGENITAL, NONSPHEROCYTIC HEMOLYTIC, 1. Identifiers: Orphanet 466026, MedGen C2720289, MONDO:0010480, OMIM 300908.

Submissions (4):

Women's Health and Genetics/Laboratory Corporation of America, LabCorp
Classification: Uncertain significance. Last evaluated: 2024-10-30. Review status: criteria provided, single submitter. Criteria: LabCorp Variant Classification Summary - May 2015. Collection method: clinical testing. Allele origin: germline.
Comment: Variant summary: G6PD c.286T>A (p.Phe96Ile) results in a non-conservative amino acid change located in the Glucose-6-phosphate dehydrogenase, NAD-binding domain (Glucose-6-phosphate dehydrogenase, NAD-binding) of the encoded protein sequence. Three of four in-silico tools predict a damaging effect of the variant on protein function. The variant was absent in 183313 control chromosomes. The available data on variant occurrences in the general population are insufficient to allow any conclusion about variant significance. c.286T>A has been reported in the literature in hemizygous individuals affected with Glucose 6 Phosphate Dehydrogenase Deficiency (Laosombat_2005, Shen_2022, Geck_2023). These data do not allow any conclusion about variant significance. To our knowledge, no experimental evidence demonstrating an impact on protein function has been reported. The following publications have been ascertained in the context of this evaluation (PMID: 36681081, 15727905, 36212142). ClinVar contains an entry for this variant (Variation ID: 1374503). Based on the evidence outlined above, the variant was classified as uncertain significance.

Dunham Lab, University of Washington
Classification: Likely pathogenic for Anemia, nonspherocytic hemolytic, due to G6PD deficiency. Last evaluated: 2024-09-01. Review status: criteria provided, single submitter. Criteria: ACMG Guidelines, 2015. Collection method: curation. Allele origin: maternal. Affected: yes.
Comment: Variant reported in unrelated hemizygotes with deficiency, and for one also in heterozygous mother (PS4_M, PP1, PP4). Decreased activity reported in red blood cells (6%) (PS3). Not found in gnomAD (PM2). Post_P 0.994 (odds of pathogenicity 1517, Prior_P 0.1). Predicted to be benign by PolyPhen-2, neutral by PROVEAN, and tolerated by SIFT (BP4). Post_P 0.988 (odds of pathogenicity 728.7, Prior_P 0.1).

Labcorp Genetics (formerly Invitae), Labcorp
Classification: Uncertain significance for Anemia, nonspherocytic hemolytic, due to G6PD deficiency. Last evaluated: 2023-12-11. Review status: criteria provided, single submitter. Criteria: Invitae Variant Classification Sherloc (09022015). Collection method: clinical testing. Allele origin: germline.
Comment: This sequence change replaces phenylalanine, which is neutral and non-polar, with isoleucine, which is neutral and non-polar, at codon 66 of the G6PD protein (p.Phe66Ile). This variant is not present in population databases (gnomAD no frequency). This missense change has been observed in individual(s) with clinical features of G6PD deficiency (PMID: 15727905, 24711023, 36212142). This variant is also known as G6PD Songklanagarind. ClinVar contains an entry for this variant (Variation ID: 1374503). Advanced modeling of protein sequence and biophysical properties (such as structural, functional, and spatial information, amino acid conservation, physicochemical variation, residue mobility, and thermodynamic stability) has been performed at Invitae for this missense variant, however the output from this modeling did not meet the statistical confidence thresholds required to predict the impact of this variant on G6PD protein function. In summary, the available evidence is currently insufficient to determine the role of this variant in disease. Therefore, it has been classified as a Variant of Uncertain Significance.

Juno Genomics, Hangzhou Juno Genomics, Inc
Classification: Uncertain significance for Malaria, susceptibility to; Anemia, nonspherocytic hemolytic, due to G6PD deficiency. Review status: criteria provided, single submitter. Criteria: ACMG Guidelines, 2015. Collection method: clinical testing. Allele origin: germline.
Comment: Absent from controls (or at extremely low frequency if recessive) in Genome Aggregation Database.;Missense variant in a gene that has a low rate of benign missense variation.;The prevalence of the variant in affected individuals is significantly increased compared to the prevalence in controls.;Patient's phenotype or family history is highly specific for a disease with a single genetic etiology.

Literature cited by the submitters: PubMed 36681081 (cited by Women's Health and Genetics/Laboratory Corporation of America, LabCorp); PubMed 15727905 (cited by 3 submitters); PubMed 36212142 (cited by Women's Health and Genetics/Laboratory Corporation of America, LabCorp and Labcorp Genetics (formerly Invitae), Labcorp); PubMed 17018380 (cited by Dunham Lab, University of Washington); PubMed 36704359 (cited by Dunham Lab, University of Washington); PubMed 24711023 (cited by Labcorp Genetics (formerly Invitae), Labcorp).